The following is an entry in ClinVar:

NM_201384.3(PLEC):c.13575G>A (p.Ser4525=)

Gene: PLEC (plectin; minus strand). Cytogenetic location: 8q24.3.
Variant type: single nucleotide variant.
Coding change: c.13575G>A on transcript NM_201384.3 (MANE Select); coding-DNA position 13575, G replaced by A.
Protein change: p.Ser4525=; no amino-acid change (serine 4525 retained).
Molecular consequence: synonymous variant.
Genome position (GRCh38, 1-based): chr8:143,916,246, C>T on the plus strand (G>A on the coding strand, the complement: PLEC is on the minus strand). VCF-style: chr8-143916246-C-T. GRCh37 (hg19) VCF-style: chr8-144990414-C-T.
Other names: c.13656G>A, p.Ser4552= (NM_000445.5); c.13533G>A, p.Ser4511= (NM_201378.4); c.13509G>A, p.Ser4503= (NM_201379.3); c.13986G>A, p.Ser4662= (NM_201380.4); c.13479G>A, p.Ser4493= (NM_201381.3); c.13575G>A, p.Ser4525= (NM_201382.4); c.13587G>A, p.Ser4529= (NM_201383.3).
Identifiers: ClinVar variation 196810 (VCV000196810.42), dbSNP rs549882307, ClinGen allele CA202596.
Genomic context (GRCh38, chr8:143,916,246, plus strand): 5'-GGCAGACTCAGGGCCCCCCAGGGAGGCCGAGGACCCCGAGGCGTAGCGGCGGCCGTAGCC[C>T]GAGGAGGAGTAGGAGGATGAAGAGAAGGTCATGGAGAAGCCGGAGCCGGTGGCGTCAAAG-3'
Protein context (NP_958786.1, residues 4515-4535): MTFSSSSYSS[Ser4525=]GYGRRYASGS

ClinVar aggregate classification (germline): Benign/Likely benign. Review status: criteria provided, multiple submitters, no conflicts (2 of 4 stars). 6 submissions from 6 submitters: Benign (3); Likely benign (2). 1 of the submissions does not count toward it. Last evaluated 2026-04-24.

Conditions:
PLEC-related disorder. Also called: PLEC-related disorders; PLEC-related condition.
Epidermolysis bullosa simplex, Ogna type (EBS5A). Also called: Pidermolysis bullosa simplex 5A, Ogna type; EPIDERMOLYSIS BULLOSA SIMPLEX 5A, OGNA TYPE. Identifiers: Orphanet 79401, MedGen C0432317, MONDO:0007555, OMIM 131950.
Epidermolysis bullosa simplex 5C, with pyloric atresia (EBS5C). Also called: PLEC-Related Epidermolysis Bullosa with Pyloric Atresia; Epidermolysis bullosa simplex with pyloric atresia; PLEC1-Related Epidermolysis Bullosa with Pyloric Atresia. Identifiers: Orphanet 158684, MedGen C2677349, MONDO:0012807, OMIM 612138.
Autosomal recessive limb-girdle muscular dystrophy type 2Q (LGMDR17). Also called: MUSCULAR DYSTROPHY, LIMB-GIRDLE, AUTOSOMAL RECESSIVE 17. Identifiers: Orphanet 254361, MedGen C3150989, MONDO:0013390, OMIM 613723.
Epidermolysis bullosa simplex with nail dystrophy (EBS5D). Identifiers: MedGen C4225309, MONDO:0014661, OMIM 616487.
Epidermolysis bullosa simplex 5B, with muscular dystrophy (EBS5B). Also called: EPIDERMOLYSIS BULLOSA SIMPLEX AND LIMB-GIRDLE MUSCULAR DYSTROPHY; Epidermolysis bullosa simplex with muscular dystrophy. Identifiers: Orphanet 257, MedGen C2931072, MONDO:0009181, OMIM 226670.

Allele frequency attached by ClinVar (database versions not stated): gnomAD 0.00003 and 0.00023; TOPMed 0.00003; gnomAD exomes 0.00038 and 0.00103; 1000 Genomes Project 0.00080; ExAC 0.00429.
gnomAD v4.1: 558 of 1,547,094 alleles (0.036%); highest among the groups gnomAD compares: South Asian, 0.61%; 12 homozygotes.

Submissions (6):

Women's Health and Genetics/Laboratory Corporation of America, LabCorp
Classification: Likely benign. Last evaluated: 2026-04-24. Review status: criteria provided, single submitter. Criteria: LabCorp Variant Classification Summary - May 2015. Collection method: clinical testing. Allele origin: germline.

Labcorp Genetics (formerly Invitae), Labcorp
Classification: Benign for Autosomal recessive limb-girdle muscular dystrophy type 2Q; Epidermolysis bullosa simplex, Ogna type; Epidermolysis bullosa simplex with nail dystrophy; Epidermolysis bullosa simplex 5C, with pyloric atresia; Epidermolysis bullosa simplex 5B, with muscular dystrophy. Last evaluated: 2025-11-25. Review status: criteria provided, single submitter. Criteria: Invitae Variant Classification Sherloc (09022015). Collection method: clinical testing. Allele origin: germline.

CeGaT Center for Human Genetics Tuebingen
Classification: Likely benign. Last evaluated: 2022-08-01. Review status: criteria provided, single submitter. Criteria: CeGaT Center For Human Genetics Tuebingen Variant Classification Criteria Version 2. Collection method: clinical testing. Allele origin: germline. Affected: yes. Observed: 1 variant allele.
Comment: PLEC: BP4, BP7

Athena Diagnostics
Classification: Benign. Last evaluated: 2019-04-11. Review status: criteria provided, single submitter. Criteria: Athena Diagnostics Criteria. Collection method: clinical testing. Allele origin: germline.

Eurofins Ntd Llc (ga)
Classification: Benign. Last evaluated: 2017-06-22. Review status: criteria provided, single submitter. Criteria: EGL Classification Definitions 2015. Collection method: clinical testing. Allele origin: germline. Observed: 1 variant allele, 1 heterozygote.

PreventionGenetics, part of Exact Sciences
Classification: Likely benign for PLEC-related condition. Last evaluated: 2024-01-04. Review status: no assertion criteria provided. Collection method: clinical testing. Allele origin: germline. Not counted in ClinVar's aggregate classification.
Comment: This variant is classified as likely benign based on ACMG/AMP sequence variant interpretation guidelines (Richards et al. 2015 PMID: 25741868, with internal and published modifications).